The following is an entry in ClinVar:

ClinVar aggregate classification (germline): Pathogenic (1 of 4 stars; one submission).

Conditions:
von Willebrand disorder (VWD). Also called: Von Willebrand disease (hereditary or acquired); von Willebrand's disease; von Willebrand Diseases. Identifiers: MedGen C0042974, MeSH D014842, MONDO:0024574.

Submission:

Women's Health and Genetics/Laboratory Corporation of America, LabCorp
Classification: Pathogenic for von Willebrand disorder. Last evaluated: 2025-01-14. Review status: criteria provided, single submitter. Criteria: LabCorp Variant Classification Summary - May 2015. Collection method: clinical testing. Allele origin: germline.
Comment: Variant summary: VWF c.3205C>T (p.Gln1069X) results in a premature termination codon, predicted to cause a truncation of the encoded protein or absence of the protein due to nonsense mediated decay, which are commonly known mechanisms for disease. The variant was absent in 231128 control chromosomes. To our knowledge, no occurrence of c.3205C>T in individuals affected with Von Willebrand Disease and no experimental evidence demonstrating its impact on protein function have been reported. No submitters have cited clinical-significance assessments for this variant to ClinVar. Based on the evidence outlined above, the variant was classified as pathogenic.

NM_000552.5(VWF):c.3205C>T (p.Gln1069Ter)

Gene: VWF (von Willebrand factor; minus strand). Cytogenetic location: 12p13.31.
Variant type: single nucleotide variant.
Coding change: c.3205C>T on transcript NM_000552.5 (MANE Select); coding-DNA position 3205, C replaced by T.
Protein change: p.Gln1069Ter; replaces glutamine 1069 with a stop codon.
Molecular consequence: nonsense.
Genome position (GRCh38, 1-based): chr12:6,025,597, G>A on the plus strand (C>T on the coding strand, the complement: VWF is on the minus strand). VCF-style: chr12-6025597-G-A. GRCh37 (hg19) VCF-style: chr12-6134763-G-A.
Other names: short protein forms Q1069*.
Identifiers: ClinVar variation 3769100 (VCV003769100.2).